The following is an entry in ClinVar:

NM_005215.4(DCC):c.1789C>T (p.Arg597Ter)

Gene: DCC (DCC netrin 1 receptor; plus strand). Cytogenetic location: 18q21.2.
Variant type: single nucleotide variant.
Coding change: c.1789C>T on transcript NM_005215.4 (MANE Select); coding-DNA position 1789, C replaced by T.
Protein change: p.Arg597Ter; replaces arginine 597 with a stop codon.
Molecular consequence: nonsense.
Genome position (GRCh38, 1-based): chr18:53,207,745, C>T. VCF-style: chr18-53207745-C-T. GRCh37 (hg19) VCF-style: chr18-50734115-C-T.
Other names: short protein forms R597*.
Identifiers: ClinVar variation 426741 (VCV000426741.4), dbSNP rs1085307773, ClinGen allele CA402518194.
Genomic context (GRCh38, chr18:53,207,745, plus strand): 5'-GAGGTTGATGGACTATCTTATAAACTGGAAGGCCTGAAAAAATTCACCGAATATAGTCTT[C>T]GATTCTTAGCTTATAATCGCTATGGTCCGGGCGTCTCTACTGATGATATAACAGTGGTTA-3'

ClinVar aggregate classification (germline): Pathogenic (1 of 4 stars; one submission).

Submission:

GeneDx
Classification: Pathogenic. Last evaluated: 2026-09-21. Review status: criteria provided, single submitter. Criteria: GeneDx Variant Classification Process June 2021. Collection method: clinical testing. Allele origin: germline.
Comment: Nonsense variant predicted to result in protein truncation or nonsense mediated decay in a gene for which loss of function is a known mechanism of disease; Not observed at significant frequency in large population cohorts (gnomAD); Identified in unrelated probands with clinical features consistent with a DCC-related disorder referred for genetic testing at GeneDx and in published literature (PMID: 40905141, 41239616); This variant is associated with the following publications: (PMID: 41239616, 40905141)